The following is an entry in ClinVar:

NC_000022.10:g.(?_29083885)_(29090115_?)del

Gene: CHEK2 (checkpoint kinase 2; minus strand). Cytogenetic location: 22q12.1.
Variant type: Deletion.
Identifiers: ClinVar variation 1076757 (VCV001076757.9).

ClinVar aggregate classification (germline): Pathogenic (1 of 4 stars; one submission).

Conditions:
Familial cancer of breast. Also called: hereditary breast carcinoma; Hereditary breast cancer; BREAST CANCER, FAMILIAL. Identifiers: Orphanet 227535, MedGen C0346153, MONDO:0016419, OMIM 114480. Disease mechanism: loss of function.

Submission:

Labcorp Genetics (formerly Invitae), Labcorp
Classification: Pathogenic for Familial cancer of breast. Last evaluated: 2021-12-23. Review status: criteria provided, single submitter. Criteria: Invitae Variant Classification Sherloc (09022015). Collection method: clinical testing. Allele origin: germline.
Comment: This variant is a gross deletion of the genomic region encompassing exon(s) 13-15 of the CHEK2 gene, which includes the termination codon. This deletion extends beyond the assayed region for this gene and therefore may encompass additional genes. While this deletion is not anticipated to lead to nonsense mediated decay, it is expected to alter mRNA translation or result in a truncated protein product. For these reasons, this variant has been classified as Pathogenic. This variant disrupts a region of the CHEK2 protein in which other variant(s) (p.Arg519*) have been determined to be pathogenic (PMID: 25503501, 27751358, 29020732, 29520813, 30287823, 30680046, 32761968). This suggests that this is a clinically significant region of the protein, and that variants that disrupt it are likely to be disease-causing. This variant has not been reported in the literature in individuals affected with CHEK2-related conditions.

Literature cited by the submitters: PubMed 25503501; PubMed 27751358; PubMed 29020732; PubMed 29520813; PubMed 30287823; PubMed 30680046; PubMed 32761968.